The following is an entry in ClinVar:

NC_012920.1(MT-ND1):m.3593T>C

Gene: MT-ND1 (mitochondrially encoded NADH dehydrogenase 1; plus strand).
Variant type: single nucleotide variant.
Genome position: chrM-3593-T-C.
Identifiers: ClinVar variation 692376 (VCV000692376.1), dbSNP rs2854134, ClinGen allele CA337096602.

ClinVar aggregate classification (germline): Benign (1 of 4 stars; one submission).

Conditions:
Leigh syndrome (NULS). Also called: Leigh's necrotizing encephalopathy; Leigh's disease; Leigh Syndrome (mtDNA deletion); Leigh Disease; Subacute necrotizing encephalopathy; Necrotizing encephalopathy infantile subacute of Leigh. Identifiers: Orphanet 506, MedGen C2931891, MONDO:0009723, OMIM 256000.

Submission:

Wong Mito Lab, Molecular and Human Genetics, Baylor College of Medicine
Classification: Benign for Leigh syndrome. Last evaluated: 2019-10-17. Review status: criteria provided, single submitter. Criteria: Modified ACMG Guidelines (Unpublished). Collection method: clinical testing. Allele origin: germline.
Comment: The NC_012920.1:m.3593T>C (YP_003024026.1:p.Val96Ala) variant in MTND1 gene is interpretated to be a Benign variant based on the modified ACMG guidelines (unpublished). This variant meets the following evidence codes: BS1, BS2, BP4